The following is an entry in ClinVar:

NM_021008.4(DEAF1):c.1504C>A (p.Gln502Lys)

Gene: DEAF1 (DEAF1 transcription factor; minus strand). Cytogenetic location: 11p15.5.
Variant type: single nucleotide variant.
Coding change: c.1504C>A on transcript NM_021008.4 (MANE Select); coding-DNA position 1504, C replaced by A.
Protein change: p.Gln502Lys; replaces glutamine 502 with lysine.
Molecular consequence: missense variant.
Genome position (GRCh38, 1-based): chr11:654,051, G>T on the plus strand (C>A on the coding strand, the complement: DEAF1 is on the minus strand). VCF-style: chr11-654051-G-T. GRCh37 (hg19) VCF-style: chr11-654051-G-T.
Other names: c.1279C>A, p.Gln427Lys (NM_001293634.2); c.778C>A, p.Gln260Lys (NM_001367390.1); short protein forms Q260K, Q502K, Q427K.
Identifiers: ClinVar variation 2827456 (VCV002827456.3), dbSNP rs2494259070, ClinGen allele CA379016735.

ClinVar aggregate classification (germline): Uncertain significance (1 of 4 stars; one submission).

Submission:

Labcorp Genetics (formerly Invitae), Labcorp
Classification: Uncertain significance. Last evaluated: 2023-01-10. Review status: criteria provided, single submitter. Criteria: Invitae Variant Classification Sherloc (09022015). Collection method: clinical testing. Allele origin: germline.
Comment: This variant has not been reported in the literature in individuals affected with DEAF1-related conditions. This variant is not present in population databases (gnomAD no frequency). This sequence change replaces glutamine, which is neutral and polar, with lysine, which is basic and polar, at codon 502 of the DEAF1 protein (p.Gln502Lys). Algorithms developed to predict the effect of missense changes on protein structure and function are either unavailable or do not agree on the potential impact of this missense change (SIFT: "Deleterious"; PolyPhen-2: "Benign"; Align-GVGD: "Class C45"). In summary, the available evidence is currently insufficient to determine the role of this variant in disease. Therefore, it has been classified as a Variant of Uncertain Significance. Algorithms developed to predict the effect of sequence changes on RNA splicing suggest that this variant may disrupt the consensus splice site.